The following is an entry in ClinVar:

NM_001267550.2(TTN):c.65682A>G (p.Thr21894=)

Genes: TTN (titin; minus strand), TTN-AS1 (TTN antisense RNA 1; plus strand). Cytogenetic location: 2q31.2.
Variant type: single nucleotide variant.
Coding change: c.65682A>G on transcript NM_001267550.2 (MANE Select); coding-DNA position 65682, A replaced by G.
Protein change: p.Thr21894=; no amino-acid change (threonine 21894 retained).
Molecular consequence: synonymous variant. On other transcripts: non-coding transcript variant (1).
Genome position (GRCh38, 1-based): chr2:178,583,121, T>C on the plus strand (A>G on the coding strand, the complement: TTN is on the minus strand). VCF-style: chr2-178583121-T-C. GRCh37 (hg19) VCF-style: chr2-179447848-T-C.
Other names: p.T20253T:ACA>ACG; p.Thr19326=; c.60759A>G, p.Thr20253= (NM_001256850.1); c.38487A>G, p.Thr12829= (NM_003319.4); c.57978A>G, p.Thr19326= (NM_133378.4); c.38862A>G, p.Thr12954= (NM_133432.3); c.39063A>G, p.Thr13021= (NM_133437.4).
Identifiers: ClinVar variation 47227 (VCV000047227.36), dbSNP rs4894029, ClinGen allele CA283614.
Genomic context (GRCh38, chr2:178,583,121, plus strand): 5'-CATGGCCATCTTTATGCCTTCTGCTGGTTTTAGCAGTGTGCCATCTTTTTTCCAAGAAAC[T>C]GTTGGCATCGGTTTACCAAAAACAGTAGCATCCAAGCAGACATTAGTTCCAGCTTTCACA-3'
Protein context (NP_001254479.2, residues 21884-21904): DATVFGKPMP[Thr21894=]VSWKKDGTLL

ClinVar aggregate classification (germline): Benign. Review status: criteria provided, multiple submitters, no conflicts (2 of 4 stars). 23 submissions from 16 submitters: Benign (21). 2 of the submissions do not count toward it. Last evaluated 2026-03-27.

Conditions:
Dilated cardiomyopathy 1G (CMD1G). Identifiers: Orphanet 154, MedGen C1858763, MONDO:0011400, OMIM 604145.
Autosomal recessive limb-girdle muscular dystrophy type 2J (LGMDR10). Also called: MUSCULAR DYSTROPHY, LIMB-GIRDLE, AUTOSOMAL RECESSIVE 10; Limb-girdle muscular dystrophy, type 2J. Identifiers: Orphanet 140922, MedGen C1837342, MONDO:0012127, OMIM 608807.
Cardiovascular phenotype. Identifiers: MedGen CN230736.
Early-onset myopathy with fatal cardiomyopathy (CMYO5). Also called: CONGENITAL MYOPATHY 5 WITH CARDIOMYOPATHY; Salih Myopathy. Identifiers: Orphanet 289377, MedGen C2673677, MONDO:0012714, OMIM 611705. Disease mechanism: loss of function.
Myopathy, myofibrillar, 9, with early respiratory failure (MFM9). Also called: Myopathy, distal, with early respiratory failure, autosomal dominant; Hereditary myopathy with early respiratory failure; MYOPATHY, PROXIMAL, WITH EARLY RESPIRATORY MUSCLE INVOLVEMENT; EDSTROM MYOPATHY. Identifiers: Orphanet 178464, Orphanet 34521, MedGen C1863599, MONDO:0011362, OMIM 603689.
Tibial muscular dystrophy (TMD). Also called: Udd Distal Myopathy – Tibial Muscular Dystrophy; Tibial muscular dystrophy, tardive; UDD MYOPATHY. Identifiers: Orphanet 609, MedGen C1838244, MONDO:0010870, OMIM 600334.

Allele frequency attached by ClinVar (database versions not stated): gnomAD 0.35796 and 0.36422; ExAC 0.35880; 1000 Genomes Project 30x 0.50890; TOPMed 0.37927; ESP Exome Variant Server 0.32176; 1000 Genomes Project 0.51378.
gnomAD v4.1: 449,284 of 1,610,804 alleles (28%); highest among the groups gnomAD compares: East Asian, 70%; 75,624 homozygotes.

Submissions (23):

Molecular Diagnostic Laboratory for Inherited Cardiovascular Disease, Montreal Heart Institute
Classification: Benign. Last evaluated: 2026-03-27. Review status: criteria provided, single submitter. Criteria: ACMG Guidelines, 2015. Collection method: clinical testing. Allele origin: germline. Affected: no.

Labcorp Genetics (formerly Invitae), Labcorp
Classification: Benign for Dilated cardiomyopathy 1G; Autosomal recessive limb-girdle muscular dystrophy type 2J. Last evaluated: 2026-02-04. Review status: criteria provided, single submitter. Criteria: Invitae Variant Classification Sherloc (09022015). Collection method: clinical testing. Allele origin: germline.

Genome-Nilou Lab
Classification: Benign for Autosomal recessive limb-girdle muscular dystrophy type 2J. Last evaluated: 2021-09-10. Review status: criteria provided, single submitter. Criteria: ACMG Guidelines, 2015. Collection method: clinical testing. Allele origin: germline. Affected: no.

Genome-Nilou Lab
Classification: Benign for Myopathy, myofibrillar, 9, with early respiratory failure. Last evaluated: 2021-09-10. Review status: criteria provided, single submitter. Criteria: ACMG Guidelines, 2015. Collection method: clinical testing. Allele origin: germline. Affected: no.

Genome-Nilou Lab
Classification: Benign for Early-onset myopathy with fatal cardiomyopathy. Last evaluated: 2021-09-10. Review status: criteria provided, single submitter. Criteria: ACMG Guidelines, 2015. Collection method: clinical testing. Allele origin: germline. Affected: no.

Genome-Nilou Lab
Classification: Benign for Tibial muscular dystrophy. Last evaluated: 2021-09-10. Review status: criteria provided, single submitter. Criteria: ACMG Guidelines, 2015. Collection method: clinical testing. Allele origin: germline. Affected: no.

Women's Health and Genetics/Laboratory Corporation of America, LabCorp
Classification: Benign. Last evaluated: 2019-08-19. Review status: criteria provided, single submitter. Criteria: LabCorp Variant Classification Summary - May 2015. Collection method: clinical testing. Allele origin: germline.

Athena Diagnostics
Classification: Benign. Last evaluated: 2018-11-02. Review status: criteria provided, single submitter. Criteria: Athena Diagnostics Criteria. Collection method: clinical testing. Allele origin: germline.

Illumina Laboratory Services, Illumina
Classification: Benign for Myopathy, myofibrillar, 9, with early respiratory failure. Last evaluated: 2018-01-13. Review status: criteria provided, single submitter. Criteria: ICSL Variant Classification Criteria 13 December 2019. Collection method: clinical testing. Allele origin: germline.
Comment: This variant was observed in the ICSL laboratory as part of a predisposition screen in an ostensibly healthy population. It had not been previously curated by ICSL or reported in the Human Gene Mutation Database (HGMD: prior to June 1st, 2018), and was therefore a candidate for classification through an automated scoring system. Utilizing variant allele frequency, disease prevalence and penetrance estimates, and inheritance mode, an automated score was calculated to assess if this variant is too frequent to cause the disease. Based on the score and internal cut-off values, a variant classified as benign is not then subjected to further curation. The score for this variant resulted in a classification of benign for this disease.

Illumina Laboratory Services, Illumina
Classification: Benign for Early-onset myopathy with fatal cardiomyopathy. Last evaluated: 2018-01-13. Review status: criteria provided, single submitter. Criteria: ICSL Variant Classification Criteria 13 December 2019. Collection method: clinical testing. Allele origin: germline.
Comment: the same text as in the submission from Illumina Laboratory Services, Illumina above.

Illumina Laboratory Services, Illumina
Classification: Benign for Dilated cardiomyopathy 1G. Last evaluated: 2018-01-13. Review status: criteria provided, single submitter. Criteria: ICSL Variant Classification Criteria 13 December 2019. Collection method: clinical testing. Allele origin: germline.
Comment: the same text as in the submission from Illumina Laboratory Services, Illumina above.

Illumina Laboratory Services, Illumina
Classification: Benign for Autosomal recessive limb-girdle muscular dystrophy type 2J. Last evaluated: 2018-01-13. Review status: criteria provided, single submitter. Criteria: ICSL Variant Classification Criteria 13 December 2019. Collection method: clinical testing. Allele origin: germline.
Comment: the same text as in the submission from Illumina Laboratory Services, Illumina above.

Illumina Laboratory Services, Illumina
Classification: Benign for Tibial muscular dystrophy. Last evaluated: 2018-01-13. Review status: criteria provided, single submitter. Criteria: ICSL Variant Classification Criteria 13 December 2019. Collection method: clinical testing. Allele origin: germline.
Comment: the same text as in the submission from Illumina Laboratory Services, Illumina above.

Mayo Clinic Laboratories, Mayo Clinic
Classification: Benign. Last evaluated: 2017-08-24. Review status: criteria provided, single submitter. Criteria: ACMG Guidelines, 2015. Collection method: clinical testing. Allele origin: germline. Observed: 1,175 variant alleles.

Genetic Services Laboratory, University of Chicago
Classification: Benign for AllHighlyPenetrant. Last evaluated: 2013-08-15. Review status: criteria provided, single submitter. Criteria: ACMG Guidelines, 2007. Collection method: clinical testing. Allele origin: germline.

Eurofins Ntd Llc (ga)
Classification: Benign. Last evaluated: 2013-05-29. Review status: criteria provided, single submitter. Criteria: EGL Classification Definitions 2015. Collection method: clinical testing. Allele origin: germline. Observed: 1 variant allele, 1 homozygote.

Ambry Genetics
Classification: Benign for Cardiovascular phenotype. Last evaluated: 2013-01-16. Review status: criteria provided, single submitter. Criteria: Ambry Autosomal Dominant and X-Linked criteria (10/2015). Collection method: clinical testing. Allele origin: germline. Observed: 1 variant allele.

GeneDx
Classification: Benign. Last evaluated: 2012-10-31. Review status: criteria provided, single submitter. Criteria: GeneDx Variant Classification (06012015). Collection method: clinical testing. Allele origin: germline. Affected: yes.
Comment: This variant is considered likely benign or benign based on one or more of the following criteria: it is a conservative change, it occurs at a poorly conserved position in the protein, it is predicted to be benign by multiple in silico algorithms, and/or has population frequency not consistent with disease.

Laboratory for Molecular Medicine, Mass General Brigham Personalized Medicine
Classification: Benign. Last evaluated: 2011-09-27. Review status: criteria provided, single submitter. Criteria: LMM Criteria. Collection method: clinical testing. Allele origin: germline. Observed: 955 variant alleles.

Breakthrough Genomics
Classification: Benign. Review status: criteria provided, single submitter. Criteria: ACMG Guidelines, 2015. Collection method: not provided. Allele origin: germline. Inheritance: Autosomal recessive inheritance. Affected: yes.

PreventionGenetics, part of Exact Sciences
Classification: Benign. Review status: criteria provided, single submitter. Criteria: ACMG Guidelines, 2015. Collection method: clinical testing. Allele origin: germline.

Clinical Genetics DNA and cytogenetics Diagnostics Lab, Erasmus MC, Erasmus Medical Center
Classification: Benign. Review status: no assertion criteria provided. Collection method: clinical testing. Allele origin: germline. Affected: yes. Study: VKGL Data-share Consensus. Not counted in ClinVar's aggregate classification.

Clinical Genetics, Academic Medical Center
Classification: Benign. Review status: no assertion criteria provided. Collection method: clinical testing. Allele origin: germline. Affected: yes. Study: VKGL Data-share Consensus. Not counted in ClinVar's aggregate classification.